The following is an entry in ClinVar:

NM_019098.5(CNGB3):c.715C>A (p.Arg239Ser)

Gene: CNGB3 (cyclic nucleotide gated channel subunit beta 3; minus strand). Cytogenetic location: 8q21.3.
Variant type: single nucleotide variant.
Coding change: c.715C>A on transcript NM_019098.5 (MANE Select); coding-DNA position 715, C replaced by A.
Protein change: p.Arg239Ser; replaces arginine 239 with serine.
Molecular consequence: missense variant.
Genome position (GRCh38, 1-based): chr8:86,667,062, G>T on the plus strand (C>A on the coding strand, the complement: CNGB3 is on the minus strand). VCF-style: chr8-86667062-G-T. GRCh37 (hg19) VCF-style: chr8-87679290-G-T.
Other names: short protein forms R239S.
Identifiers: ClinVar variation 810300 (VCV000810300.47), dbSNP rs200019416, ClinGen allele CA371449535.

ClinVar aggregate classification (germline): Uncertain significance. Review status: criteria provided, multiple submitters, no conflicts (2 of 4 stars). 4 submissions from 4 submitters: Uncertain significance (3). 1 of the submissions does not count toward it. Last evaluated 2022-05-09.

Conditions:
Achromatopsia. Also called: Rod monochromatism. Identifiers: Orphanet 49382, MedGen C0152200, MONDO:0018852, HP:0011516.

Allele frequency attached by ClinVar (database versions not stated): TOPMed 0.00001.
gnomAD v4.1: 7 of 1,613,988 alleles (0.00043%); highest among the groups gnomAD compares: Non-Finnish European, 0.00059%; no homozygotes.

Submissions (4):

Labcorp Genetics (formerly Invitae), Labcorp
Classification: Uncertain significance. Last evaluated: 2022-05-09. Review status: criteria provided, single submitter. Criteria: Invitae Variant Classification Sherloc (09022015). Collection method: clinical testing. Allele origin: germline.
Comment: This sequence change replaces arginine, which is basic and polar, with serine, which is neutral and polar, at codon 239 of the CNGB3 protein (p.Arg239Ser). This variant is not present in population databases (gnomAD no frequency). This variant has not been reported in the literature in individuals affected with CNGB3-related conditions. ClinVar contains an entry for this variant (Variation ID: 810300). Advanced modeling of protein sequence and biophysical properties (such as structural, functional, and spatial information, amino acid conservation, physicochemical variation, residue mobility, and thermodynamic stability) performed at Invitae indicates that this missense variant is expected to disrupt CNGB3 protein function. In summary, the available evidence is currently insufficient to determine the role of this variant in disease. Therefore, it has been classified as a Variant of Uncertain Significance.

Blueprint Genetics
Classification: Uncertain significance. Last evaluated: 2021-05-27. Review status: criteria provided, single submitter. Criteria: ACMG Guidelines, 2015. Collection method: clinical testing. Allele origin: germline.

CeGaT Center for Human Genetics Tuebingen
Classification: Uncertain significance. Last evaluated: 2019-02-01. Review status: criteria provided, single submitter. Criteria: CeGaT Center For Human Genetics Tuebingen Variant Classification Criteria Version 2. Collection method: clinical testing. Allele origin: germline. Affected: yes. Observed: 1 variant allele.

Natera, Inc.
Classification: Uncertain significance for Achromatopsia. Last evaluated: 2020-12-01. Review status: no assertion criteria provided. Collection method: clinical testing. Allele origin: germline. Not counted in ClinVar's aggregate classification.